The following is an entry in ClinVar:

ClinVar aggregate classification (germline): Uncertain significance (1 of 4 stars; one submission).

Submission:

Labcorp Genetics (formerly Invitae), Labcorp
Classification: Uncertain significance. Last evaluated: 2022-09-19. Review status: criteria provided, single submitter. Criteria: Invitae Variant Classification Sherloc (09022015). Collection method: clinical testing. Allele origin: germline.
Comment: In summary, the available evidence is currently insufficient to determine the role of this variant in disease. Therefore, it has been classified as a Variant of Uncertain Significance. Advanced modeling of protein sequence and biophysical properties (such as structural, functional, and spatial information, amino acid conservation, physicochemical variation, residue mobility, and thermodynamic stability) performed at Invitae indicates that this missense variant is not expected to disrupt CTNNA1 protein function. This variant has not been reported in the literature in individuals affected with CTNNA1-related conditions. This variant is not present in population databases (gnomAD no frequency). This sequence change replaces valine, which is neutral and non-polar, with alanine, which is neutral and non-polar, at codon 403 of the CTNNA1 protein (p.Val403Ala).

NM_001903.5(CTNNA1):c.1208T>C (p.Val403Ala)

Gene: CTNNA1 (catenin alpha 1; plus strand). Cytogenetic location: 5q31.2.
Variant type: single nucleotide variant.
Coding change: c.1208T>C on transcript NM_001903.5 (MANE Select); coding-DNA position 1208, T replaced by C.
Protein change: p.Val403Ala; replaces valine 403 with alanine.
Molecular consequence: missense variant. On other transcripts: 5 prime UTR variant (5), intron variant (2).
Genome position (GRCh38, 1-based): chr5:138,887,554, T>C. VCF-style: chr5-138887554-T-C. GRCh37 (hg19) VCF-style: chr5-138223243-T-C.
Other names: c.1208T>C, p.Val403Ala (NM_001290307.3, NM_001323982.2, NM_001323983.1 and 3 more transcripts); c.899T>C, p.Val300Ala (NM_001290309.3); c.839T>C, p.Val280Ala (NM_001290310.3); c.98T>C, p.Val33Ala (NM_001290312.1, NM_001323987.1, NM_001323988.1 and 18 more transcripts); c.-300T>C (NM_001324006.1, NM_001324007.1, NM_001324008.1 and 1 more transcripts); c.-175T>C (NM_001324013.1); c.-58+11957T>C (NM_001324012.1); c.-61+11957T>C (NM_001324010.1); short protein forms V300A, V33A, V403A, V280A.
Identifiers: ClinVar variation 2041096 (VCV002041096.4), dbSNP rs2533013684, ClinGen allele CA361133073.